The following is an entry in ClinVar:

NM_001386298.1(CIC):c.281A>G (p.Lys94Arg)

Gene: CIC (capicua transcriptional repressor; plus strand). Cytogenetic location: 19q13.2.
Variant type: single nucleotide variant.
Coding change: c.281A>G on transcript NM_001386298.1 (MANE Select); coding-DNA position 281, A replaced by G.
Protein change: p.Lys94Arg; replaces lysine 94 with arginine.
Molecular consequence: missense variant.
Genome position (GRCh38, 1-based): chr19:42,272,064, A>G. VCF-style: chr19-42272064-A-G. GRCh37 (hg19) VCF-style: chr19-42776216-A-G.
Other names: c.281A>G, p.Lys94Arg (NM_001304815.2, NM_001379480.1, NM_001379482.1); short protein forms K94R.
Identifiers: ClinVar variation 1301614 (VCV001301614.26), dbSNP rs539540626, ClinGen allele CA9471549.
Genomic context (GRCh38, chr19:42,272,064, plus strand): 5'-AAGGTCCTCCACTGGAGCTGCACCCTGGCGACCCGGCTCCAGGCCCAGCAGAGGACCCCA[A>G]AGGGGATGGGGAGGCAGGCCGCTGGGAGCCCTCACTCAGCCGCAAGACAGCCACGTTCAA-3'
Protein context (NP_001373227.1, residues 84-104): DPAPGPAEDP[Lys94Arg]GDGEAGRWEP

ClinVar aggregate classification (germline): Conflicting classifications of pathogenicity. Review status: criteria provided, conflicting classifications (1 of 4 stars). 4 submissions from 4 submitters: Uncertain significance (2); Likely benign (2). Last evaluated 2026-05-29.

Conditions:
CIC-related disorder. Also called: CIC-related condition.
Intellectual developmental disorder, autosomal dominant 45. Also called: MENTAL RETARDATION, AUTOSOMAL DOMINANT 45; Intellectual disability, autosomal dominant 45. Identifiers: MedGen C4539848, MONDO:0030910, OMIM 617600.

Allele frequency attached by ClinVar (database versions not stated): 1000 Genomes Project 30x 0.00156; 1000 Genomes Project 0.00160; gnomAD 0.00002 and 0.00040; TOPMed 0.00007; gnomAD exomes 0.00025.

Submissions (4):

PreventionGenetics, part of Exact Sciences
Classification: Likely benign for CIC-related condition. Last evaluated: 2026-05-29. Review status: criteria provided, single submitter. Criteria: ACMG Guidelines, 2015. Collection method: clinical testing. Allele origin: germline.
Comment: This variant is classified as likely benign based on ACMG/AMP sequence variant interpretation guidelines (Richards et al. 2015 PMID: 25741868, with internal and published modifications).

CeGaT Center for Human Genetics Tuebingen
Classification: Likely benign. Last evaluated: 2026-02-01. Review status: criteria provided, single submitter. Criteria: CeGaT Center For Human Genetics Tuebingen Variant Classification Criteria Version 2. Collection method: clinical testing. Allele origin: germline. Affected: yes. Observed: 8 variant alleles.
Comment: CIC: BS1

Dubai Health Genomic Medicine Center, Dubai Health
Classification: Uncertain significance for Intellectual developmental disorder, autosomal dominant 45. Last evaluated: 2020-01-08. Review status: criteria provided, single submitter. Criteria: ACMG Guidelines, 2015. Collection method: clinical testing. Allele origin: germline. Affected: yes.

Neuberg Centre For Genomic Medicine, NCGM
Classification: Uncertain significance for Intellectual developmental disorder, autosomal dominant 45. Review status: criteria provided, single submitter. Criteria: ACMG Guidelines, 2015. Collection method: clinical testing. Allele origin: germline. Inheritance: Autosomal dominant inheritance. Affected: yes.
Comment: The missense c.281A>G (p.Lys94Arg) variant in CIC gene has not been reported previously as a pathogenic variant nor as a benign variant, to our knowledge. The p.Lys94Arg variant is present with allele frequency of 0% in gnomAD Exomes. This variant has been submitted to the ClinVar database as Uncertain Significance. Computational evidence (SIFT - Damaging and MutationTaster - Polymorphism) predicts conflicting evidence on protein structure and function for this variant. The reference amino acid at this position on CIC gene is predicted as conserved by GERP++ and PhyloP across 100 vertebrates. The amino acid Lys at position 94 is changed to a Arg changing protein sequence and it might alter its composition and physico-chemical properties. For these reasons, this variant has been classified as Variant of Uncertain Significance (VUS).